The following is an entry in ClinVar:

NM_006904.7(PRKDC):c.4648G>A (p.Val1550Ile)

Gene: PRKDC (protein kinase, DNA-activated, catalytic subunit; minus strand). Cytogenetic location: 8q11.21.
Variant type: single nucleotide variant.
Coding change: c.4648G>A on transcript NM_006904.7 (MANE Select); coding-DNA position 4648, G replaced by A.
Protein change: p.Val1550Ile; replaces valine 1550 with isoleucine.
Molecular consequence: missense variant.
Genome position (GRCh38, 1-based): chr8:47,886,072, C>T on the plus strand (G>A on the coding strand, the complement: PRKDC is on the minus strand). VCF-style: chr8-47886072-C-T. GRCh37 (hg19) VCF-style: chr8-48798633-C-T.
Other names: c.4648G>A, p.Val1550Ile (NM_001081640.2); short protein forms V1550I.
Identifiers: ClinVar variation 2149421 (VCV002149421.2), dbSNP rs200350745, ClinGen allele CA176150808.

ClinVar aggregate classification (germline): Uncertain significance (1 of 4 stars; one submission).

Conditions:
Severe combined immunodeficiency due to DNA-PKcs deficiency. Also called: IMMUNODEFICIENCY 26 WITH NEUROLOGIC ABNORMALITIES; Immunodeficiency 26 with or without neurologic abnormalities. Identifiers: Orphanet 317425, MedGen C4014833, MONDO:0014423, OMIM 615966.

Allele frequency attached by ClinVar (database versions not stated): gnomAD exomes 0.00002; gnomAD 0.00004; TOPMed 0.00004.
gnomAD v4.1: 33 of 1,613,568 alleles (0.002%); highest among the groups gnomAD compares: African/African-American, 0.0067%; no homozygotes.

Submission:

Labcorp Genetics (formerly Invitae), Labcorp
Classification: Uncertain significance for Severe combined immunodeficiency due to DNA-PKcs deficiency. Last evaluated: 2021-12-29. Review status: criteria provided, single submitter. Criteria: Invitae Variant Classification Sherloc (09022015). Collection method: clinical testing. Allele origin: germline.
Comment: This variant has not been reported in the literature in individuals affected with PRKDC-related conditions. In summary, the available evidence is currently insufficient to determine the role of this variant in disease. Therefore, it has been classified as a Variant of Uncertain Significance. Experimental studies and prediction algorithms are not available or were not evaluated, and the functional significance of this variant is currently unknown. The frequency data for this variant in the population databases is considered unreliable, as metrics indicate poor data quality at this position in the gnomAD database. This sequence change replaces valine, which is neutral and non-polar, with isoleucine, which is neutral and non-polar, at codon 1550 of the PRKDC protein (p.Val1550Ile).